The following is an entry in ClinVar:

ClinVar aggregate classification (germline): Uncertain significance (1 of 4 stars; one submission).

Conditions:
FG syndrome (FGS). Identifiers: MedGen C0220769, MONDO:0002010.

Submission:

Labcorp Genetics (formerly Invitae), Labcorp
Classification: Uncertain significance for FG syndrome. Last evaluated: 2024-04-16. Review status: criteria provided, single submitter. Criteria: Invitae Variant Classification Sherloc (09022015). Collection method: clinical testing. Allele origin: germline.
Comment: This sequence change replaces arginine, which is basic and polar, with lysine, which is basic and polar, at codon 1731 of the MED12 protein (p.Arg1731Lys). This variant is not present in population databases (gnomAD no frequency). This variant has not been reported in the literature in individuals affected with MED12-related conditions. ClinVar contains an entry for this variant (Variation ID: 571606). Advanced modeling of protein sequence and biophysical properties (such as structural, functional, and spatial information, amino acid conservation, physicochemical variation, residue mobility, and thermodynamic stability) performed at Invitae indicates that this missense variant is not expected to disrupt MED12 protein function with a negative predictive value of 95%. In summary, the available evidence is currently insufficient to determine the role of this variant in disease. Therefore, it has been classified as a Variant of Uncertain Significance.

NM_005120.3(MED12):c.5192G>A (p.Arg1731Lys)

Gene: MED12 (mediator complex subunit 12; plus strand). Cytogenetic location: Xq13.1.
Variant type: single nucleotide variant.
Coding change: c.5192G>A on transcript NM_005120.3 (MANE Select); coding-DNA position 5192, G replaced by A.
Protein change: p.Arg1731Lys; replaces arginine 1731 with lysine.
Molecular consequence: missense variant.
Genome position (GRCh38, 1-based): chrX:71,136,447, G>A. VCF-style: chrX-71136447-G-A. GRCh37 (hg19) VCF-style: chrX-70356297-G-A.
Other names: short protein forms R1731K.
Identifiers: ClinVar variation 571606 (VCV000571606.9), dbSNP rs1569482278, ClinGen allele CA413534414.
Genomic context (GRCh38, chrX:71,136,447, plus strand): 5'-ACCGGCGAGTGGCTCGAGGAGAGGAGCAGCAGCGGTTGCTGCTCTACCACACACACCTGA[G>A]GCCCCGGCCCCGCGCCTATTACCTGGAGCCACTGCCACTGCCCCCAGAAGATGAGGAGCC-3'
Protein context (NP_005111.2, residues 1721-1741): QRLLLYHTHL[Arg1731Lys]PRPRAYYLEP